The following is an entry in ClinVar:

ClinVar aggregate classification (germline): Uncertain significance (1 of 4 stars; one submission).

Conditions:
Gastrointestinal stromal tumor. Also called: Gastrointestinal stroma tumor; Gastrointestinal stromal tumor, somatic. Identifiers: Orphanet 44890, MedGen C0238198, MeSH D046152, MONDO:0011719, OMIM 606764, HP:0100723.

Submission:

Labcorp Genetics (formerly Invitae), Labcorp
Classification: Uncertain significance for Gastrointestinal stromal tumor. Last evaluated: 2022-04-08. Review status: criteria provided, single submitter. Criteria: Invitae Variant Classification Sherloc (09022015). Collection method: clinical testing. Allele origin: germline.
Comment: Experimental studies have shown that this missense change affects KIT function (PMID: 27068398). Algorithms developed to predict the effect of missense changes on protein structure and function (SIFT, PolyPhen-2, Align-GVGD) all suggest that this variant is likely to be disruptive. This variant has not been reported in the literature in individuals affected with KIT-related conditions. This variant is not present in population databases (gnomAD no frequency). This sequence change replaces aspartic acid, which is acidic and polar, with glycine, which is neutral and non-polar, at codon 816 of the KIT protein (p.Asp816Gly). In summary, the available evidence is currently insufficient to determine the role of this variant in disease. Therefore, it has been classified as a Variant of Uncertain Significance.

Literature cited by the submitters: PubMed 27068398.

NM_000222.3(KIT):c.2447A>G (p.Asp816Gly)

Gene: KIT (KIT proto-oncogene, receptor tyrosine kinase; plus strand). Cytogenetic location: 4q12.
Variant type: single nucleotide variant.
Coding change: c.2447A>G on transcript NM_000222.3 (MANE Select); coding-DNA position 2447, A replaced by G.
Protein change: p.Asp816Gly; replaces aspartic acid 816 with glycine.
Molecular consequence: missense variant.
Genome position (GRCh38, 1-based): chr4:54,733,155, A>G. VCF-style: chr4-54733155-A-G. GRCh37 (hg19) VCF-style: chr4-55599321-A-G.
Other names: c.2435A>G, p.Asp812Gly (NM_001093772.2, NM_001385292.1); c.2450A>G, p.Asp817Gly (NM_001385284.1); c.2444A>G, p.Asp815Gly (NM_001385285.1); c.2432A>G, p.Asp811Gly (NM_001385286.1); c.2438A>G, p.Asp813Gly (NM_001385288.1); c.2447A>G, p.Asp816Gly (NM_001385290.1); short protein forms D813G, D817G, D816G, D811G, D812G, D815G.
Identifiers: ClinVar variation 1968176 (VCV001968176.5), dbSNP rs121913507, ClinGen allele CA356911876.